The following is an entry in ClinVar:

ClinVar aggregate classification (germline): Likely benign. Review status: criteria provided, multiple submitters, no conflicts (2 of 4 stars). 2 submissions from 2 submitters: Likely benign (2). Last evaluated 2025-12-18.

gnomAD v4.1: 23 of 1,613,700 alleles (0.0014%); highest among the groups gnomAD compares: South Asian, 0.0055%; no homozygotes.

Submissions (2):

Labcorp Genetics (formerly Invitae), Labcorp
Classification: Likely benign. Last evaluated: 2025-12-18. Review status: criteria provided, single submitter. Criteria: Invitae Variant Classification Sherloc (09022015). Collection method: clinical testing. Allele origin: germline.

CeGaT Center for Human Genetics Tuebingen
Classification: Likely benign. Last evaluated: 2024-09-01. Review status: criteria provided, single submitter. Criteria: CeGaT Center For Human Genetics Tuebingen Variant Classification Criteria Version 2. Collection method: clinical testing. Allele origin: germline. Affected: yes. Observed: 1 variant allele.
Comment: C3: BP4, BP7

NM_000064.4(C3):c.1599G>A (p.Ala533=)

Gene: C3 (complement C3; minus strand). Cytogenetic location: 19p13.3.
Variant type: single nucleotide variant.
Coding change: c.1599G>A on transcript NM_000064.4 (MANE Select); coding-DNA position 1599, G replaced by A.
Protein change: p.Ala533=; no amino-acid change (alanine 533 retained).
Molecular consequence: synonymous variant.
Genome position (GRCh38, 1-based): chr19:6,710,726, C>T on the plus strand (G>A on the coding strand, the complement: C3 is on the minus strand). VCF-style: chr19-6710726-C-T. GRCh37 (hg19) VCF-style: chr19-6710737-C-T.
Identifiers: ClinVar variation 3389012 (VCV003389012.15).